The following is an entry in ClinVar:

ClinVar aggregate classification (germline): Uncertain significance (1 of 4 stars; one submission).

Conditions:
Brown-Vialetto-van Laere syndrome 1. Also called: BROWN-VIALETTO-VAN LAERE SYNDROME 1, MILD; BULBAR PALSY, PROGRESSIVE, WITH SENSORINEURAL DEAFNESS; PONTOBULBAR PALSY WITH DEAFNESS. Identifiers: Orphanet 572550, Orphanet 97229, MedGen C0796274, MONDO:0024537, OMIM 211530.

Submission:

Labcorp Genetics (formerly Invitae), Labcorp
Classification: Uncertain significance for Brown-Vialetto-van Laere syndrome 1. Last evaluated: 2019-12-18. Review status: criteria provided, single submitter. Criteria: Invitae Variant Classification Sherloc (09022015). Collection method: clinical testing. Allele origin: germline.
Comment: Algorithms developed to predict the effect of missense changes on protein structure and function (SIFT, PolyPhen-2, Align-GVGD) all suggest that this variant is likely to be disruptive, but these predictions have not been confirmed by published functional studies and their clinical significance is uncertain. This variant has not been reported in the literature in individuals with SLC52A3-related conditions. This variant is not present in population databases (ExAC no frequency). This sequence change replaces serine with phenylalanine at codon 42 of the SLC52A3 protein (p.Ser42Phe). The serine residue is highly conserved and there is a large physicochemical difference between serine and phenylalanine. In summary, the available evidence is currently insufficient to determine the role of this variant in disease. Therefore, it has been classified as a Variant of Uncertain Significance.

NM_033409.4(SLC52A3):c.125C>T (p.Ser42Phe)

Gene: SLC52A3 (solute carrier family 52 member 3; minus strand). Cytogenetic location: 20p13.
Variant type: single nucleotide variant.
Coding change: c.125C>T on transcript NM_033409.4 (MANE Select); coding-DNA position 125, C replaced by T.
Protein change: p.Ser42Phe; replaces serine 42 with phenylalanine.
Molecular consequence: missense variant.
Genome position (GRCh38, 1-based): chr20:765,650, G>A on the plus strand (C>T on the coding strand, the complement: SLC52A3 is on the minus strand). VCF-style: chr20-765650-G-A. GRCh37 (hg19) VCF-style: chr20-746294-G-A.
Other names: c.125C>T, p.Ser42Phe (NM_001370085.1, NM_001370086.1); short protein forms S42F.
Identifiers: ClinVar variation 837242 (VCV000837242.10), dbSNP rs1986660402, ClinGen allele CA407964485.
Genomic context (GRCh38, chr20:765,650, plus strand): 5'-TGGAGCAGGGTGACCAGGAGGGGCCCGATGTTGGCCAGCTGGATGACCACCGTGAGGTAG[G>A]AGGGCAGGTACCAGCCCTCGGGCAGCTCCATCACCAGCAGGGGCAGCTCTACCCAGAGCC-3'
Protein context (NP_212134.3, residues 32-52): MELPEGWYLP[Ser42Phe]YLTVVIQLAN